The following is an entry in ClinVar:

ClinVar aggregate classification (germline): Uncertain significance. Review status: criteria provided, multiple submitters, no conflicts (2 of 4 stars). 5 submissions from 3 submitters: Uncertain significance (5). Last evaluated 2022-01-21.

Conditions:
Charcot-Marie-Tooth disease axonal type 2X. Also called: CHARCOT-MARIE-TOOTH DISEASE, AXONAL, AUTOSOMAL RECESSIVE, TYPE 2X; CHARCOT-MARIE-TOOTH NEUROPATHY, TYPE 2X. Identifiers: Orphanet 466775, MedGen C5569024, MONDO:0014726, OMIM 616668.
Amyotrophic lateral sclerosis type 5 (ALS5). Also called: AMYOTROPHIC LATERAL SCLEROSIS 5, JUVENILE. Identifiers: Orphanet 300605, MedGen C1865864, MONDO:0011196, OMIM 602099.
Hereditary spastic paraplegia 11. Also called: Nakamura Osame syndrome; Autosomal recessive hereditary spastic paraplegia, mental impairment, and thin corpus callosum; Spastic Paraplegia 11; SPASTIC PARAPLEGIA, AUTOSOMAL RECESSIVE, COMPLICATED, WITH THIN CORPUS CALLOSUM; SPASTIC PARAPLEGIA, AUTOSOMAL RECESSIVE, WITH MENTAL IMPAIRMENT AND THIN CORPUS CALLOSUM; Spastic paraplegia, mental retardation and thin corpus callosum. Identifiers: Orphanet 2822, MedGen C1858479, MONDO:0011445, OMIM 604360.

Allele frequency attached by ClinVar (database versions not stated): gnomAD exomes below 0.00001 and 0.00001; gnomAD 0.00001; ExAC 0.00002; TOPMed 0.00002; ESP Exome Variant Server 0.00008.
gnomAD v4.1: 4 of 1,614,120 alleles (0.00025%); highest among the groups gnomAD compares: African/African-American, 0.0027%; no homozygotes.

Submissions (5):

Labcorp Genetics (formerly Invitae), Labcorp
Classification: Uncertain significance for Hereditary spastic paraplegia 11. Last evaluated: 2022-01-21. Review status: criteria provided, single submitter. Criteria: Invitae Variant Classification Sherloc (09022015). Collection method: clinical testing. Allele origin: germline.
Comment: This sequence change replaces tyrosine, which is neutral and polar, with cysteine, which is neutral and slightly polar, at codon 232 of the SPG11 protein (p.Tyr232Cys). This variant is present in population databases (rs375915115, gnomAD 0.007%). This variant has not been reported in the literature in individuals affected with SPG11-related conditions. Algorithms developed to predict the effect of missense changes on protein structure and function output the following: SIFT: "Tolerated"; PolyPhen-2: "Benign"; Align-GVGD: "Class C0". The cysteine amino acid residue is found in multiple mammalian species, which suggests that this missense change does not adversely affect protein function. In summary, the available evidence is currently insufficient to determine the role of this variant in disease. Therefore, it has been classified as a Variant of Uncertain Significance.

Mayo Clinic Laboratories, Mayo Clinic
Classification: Uncertain significance. Last evaluated: 2021-08-06. Review status: criteria provided, single submitter. Criteria: ACMG Guidelines, 2015. Collection method: clinical testing. Allele origin: germline.

Genome-Nilou Lab
Classification: Uncertain significance for Amyotrophic lateral sclerosis type 5. Review status: criteria provided, single submitter. Criteria: ACMG Guidelines, 2015. Collection method: clinical testing. Allele origin: germline.

Genome-Nilou Lab
Classification: Uncertain significance for Charcot-Marie-Tooth disease axonal type 2X. Review status: criteria provided, single submitter. Criteria: ACMG Guidelines, 2015. Collection method: clinical testing. Allele origin: germline.

Genome-Nilou Lab
Classification: Uncertain significance for Hereditary spastic paraplegia 11. Review status: criteria provided, single submitter. Criteria: ACMG Guidelines, 2015. Collection method: clinical testing. Allele origin: germline.

NM_025137.4(SPG11):c.695A>G (p.Tyr232Cys)

Gene: SPG11 (SPG11 vesicle trafficking associated, spatacsin; minus strand). Cytogenetic location: 15q21.1.
Variant type: single nucleotide variant.
Coding change: c.695A>G on transcript NM_025137.4 (MANE Select); coding-DNA position 695, A replaced by G.
Protein change: p.Tyr232Cys; replaces tyrosine 232 with cysteine.
Molecular consequence: missense variant.
Genome position (GRCh38, 1-based): chr15:44,657,269, T>C on the plus strand (A>G on the coding strand, the complement: SPG11 is on the minus strand). VCF-style: chr15-44657269-T-C. GRCh37 (hg19) VCF-style: chr15-44949467-T-C.
Other names: p.Tyr232Cys; c.695A>G, p.Tyr232Cys (NM_001160227.2); short protein forms Y232C.
Identifiers: ClinVar variation 1403334 (VCV001403334.11), dbSNP rs375915115, ClinGen allele CA7535740.